The following is an entry in ClinVar:

ClinVar aggregate classification (germline): Uncertain significance (1 of 4 stars; one submission).

Allele frequency attached by ClinVar (database versions not stated): gnomAD exomes below 0.00001.
gnomAD v4.1: 1 of 1,614,262 alleles (0.000062%); highest among the groups gnomAD compares: Middle Eastern, 0.016%; no homozygotes.

Submission:

Ambry Genetics
Classification: Uncertain significance. Last evaluated: 2021-10-04. Review status: criteria provided, single submitter. Criteria: Ambry Variant Classification Scheme 2023. Collection method: clinical testing. Allele origin: germline.
Comment: The p.R884G variant (also known as c.2650A>G), located in coding exon 16 of the POLQ gene, results from an A to G substitution at nucleotide position 2650. The arginine at codon 884 is replaced by glycine, an amino acid with dissimilar properties. This amino acid position is conserved. In addition, this alteration is predicted to be tolerated by in silico analysis. Since supporting evidence is limited at this time, the clinical significance of this alteration remains unclear.

NM_199420.4(POLQ):c.2650A>G (p.Arg884Gly)

Gene: POLQ (DNA polymerase theta; minus strand). Cytogenetic location: 3q13.33.
Variant type: single nucleotide variant.
Coding change: c.2650A>G on transcript NM_199420.4 (MANE Select); coding-DNA position 2650, A replaced by G.
Protein change: p.Arg884Gly; replaces arginine 884 with glycine.
Molecular consequence: missense variant.
Genome position (GRCh38, 1-based): chr3:121,490,281, T>C on the plus strand (A>G on the coding strand, the complement: POLQ is on the minus strand). VCF-style: chr3-121490281-T-C. GRCh37 (hg19) VCF-style: chr3-121209128-T-C.
Other names: short protein forms R884G.
Identifiers: ClinVar variation 1794328 (VCV001794328.2), dbSNP rs2485491361, ClinGen allele CA354105420.